The following is an entry in ClinVar:

NM_001130438.3(SPTAN1):c.6226A>G (p.Asn2076Asp)

Gene: SPTAN1 (spectrin alpha, non-erythrocytic 1; plus strand). Cytogenetic location: 9q34.11.
Variant type: single nucleotide variant.
Coding change: c.6226A>G on transcript NM_001130438.3 (MANE Select); coding-DNA position 6226, A replaced by G.
Protein change: p.Asn2076Asp; replaces asparagine 2076 with aspartic acid.
Molecular consequence: missense variant.
Genome position (GRCh38, 1-based): chr9:128,625,925, A>G. VCF-style: chr9-128625925-A-G. GRCh37 (hg19) VCF-style: chr9-131388204-A-G.
Other names: c.6151A>G, p.Asn2051Asp (NM_001195532.2); c.6226A>G, p.Asn2076Asp (NM_001363759.2, NM_001375310.1, NM_001375311.2 and 1 more transcripts); c.6166A>G, p.Asn2056Asp (NM_001363765.2, NM_001375314.2); c.6262A>G, p.Asn2088Asp (NM_001375312.2, NM_001375318.1); c.6211A>G, p.Asn2071Asp (NM_003127.4); short protein forms N2076D, N2051D, N2088D, N2056D, N2071D.
Identifiers: ClinVar variation 1521099 (VCV001521099.9), dbSNP rs1251099177, ClinGen allele CA375087160.
Genomic context (GRCh38, chr9:128,625,925, plus strand): 5'-TCCAAGGCCATCGAGGCCCGGCACGCCTCCCTCATGAAGAGGTGGAGCCAGCTTCTGGCC[A>G]ACTCAGCCGCCCGCAAGAAGAAGCTTCTGGAGGCTCAGAGTCACTTCCGCAAGGTGAGGA-3'
Protein context (NP_001123910.1, residues 2066-2086): LMKRWSQLLA[Asn2076Asp]SAARKKKLLE

ClinVar aggregate classification (germline): Uncertain significance (1 of 4 stars; one submission).

Conditions:
Early-infantile DEE. Also called: Ohtahara syndrome; Early infantile epileptic encephalopathy; Early infantile epileptic encephalopathy with suppression bursts. Identifiers: Orphanet 1934, MedGen C0393706, MONDO:0800491.

Allele frequency attached by ClinVar (database versions not stated): gnomAD exomes below 0.00001 and 0.00001.
gnomAD v4.1: 5 of 1,614,178 alleles (0.00031%); highest among the groups gnomAD compares: Non-Finnish European, 0.00042%; no homozygotes.

Submission:

Labcorp Genetics (formerly Invitae), Labcorp
Classification: Uncertain significance for Early-infantile DEE. Last evaluated: 2021-03-29. Review status: criteria provided, single submitter. Criteria: Invitae Variant Classification Sherloc (09022015). Collection method: clinical testing. Allele origin: germline.
Comment: This sequence change replaces asparagine with aspartic acid at codon 2076 of the SPTAN1 protein (p.Asn2076Asp). The asparagine residue is highly conserved and there is a small physicochemical difference between asparagine and aspartic acid. This variant is not present in population databases (ExAC no frequency). This variant has not been reported in the literature in individuals with SPTAN1-related conditions. Algorithms developed to predict the effect of missense changes on protein structure and function (SIFT, PolyPhen-2, Align-GVGD) all suggest that this variant is likely to be tolerated, but these predictions have not been confirmed by published functional studies and their clinical significance is uncertain. In summary, the available evidence is currently insufficient to determine the role of this variant in disease. Therefore, it has been classified as a Variant of Uncertain Significance.